The following is an entry in ClinVar:

ClinVar aggregate classification (germline): Uncertain significance. Review status: reviewed by expert panel (3 of 4 stars). 10 submissions from 10 submitters: Uncertain significance (1). 9 of the submissions do not count toward it. Last evaluated 2024-08-27.

Conditions:
Malignant hyperthermia, susceptibility to, 1 (MHS1). Also called: Anesthesia related hyperthermia; Malignant hyperpyrexia; Fulminating hyperpyrexia; Pharmacogenic myopathy; RYR1-Related Malignant Hyperthermia Susceptibility; Malignant hyperthermia suceptibility 1. Identifiers: Orphanet 423, MedGen C2930980, MONDO:0007783, OMIM 145600.
Congenital myopathy with fiber type disproportion. Also called: Congenital fiber-type disproportion; Congenital fiber-type disproportion myopathy. Identifiers: Orphanet 2020, MedGen C0546264, MONDO:0009711. Inheritance: all.
King Denborough syndrome (KDS). Identifiers: MedGen C1840365, MONDO:0020485, OMIM 619542.
Central core myopathy (CMYO1A). Also called: CONGENITAL MYOPATHY 1A, AUTOSOMAL DOMINANT, WITH SUSCEPTIBILITY TO MALIGNANT HYPERTHERMIA; Central core disease; Myopathy, central fibrillar. Identifiers: Orphanet 597, MedGen C5830701, MONDO:0007294, OMIM 117000.
Congenital multicore myopathy with external ophthalmoplegia (CMYO1B). Also called: MULTICORE MYOPATHY; Minicore myopathy with external ophthalmoplegia; MULTIMINICORE DISEASE WITH EXTERNAL OPHTHALMOPLEGIA; Congenital myopathy 1B, autosomal recessive; Minicore myopathy. Identifiers: Orphanet 598, Orphanet 98905, MedGen C1850674, MONDO:0009712, OMIM 255320, HP:0003789.
RYR1-related myopathy. Identifiers: Orphanet 98742, MedGen CN305348, MONDO:0100150.
RYR1-related disorder. Also called: RYR1-related disorders; RYR1-related condition. Identifiers: MedGen CN239331.

Allele frequency attached by ClinVar (database versions not stated): gnomAD exomes 0.00001; TOPMed 0.00001; gnomAD 0.00003; ExAC 0.00009; 1000 Genomes Project 30x 0.00016; 1000 Genomes Project 0.00020.
gnomAD v4.1: 26 of 1,559,896 alleles (0.0017%); highest among the groups gnomAD compares: African/African-American, 0.011%; no homozygotes.

Submissions (10):

ClinGen Congenital Myopathies Variant Curation Expert Panel, ClinGen
Classification: Uncertain significance for RYR1-related myopathy. Last evaluated: 2024-08-27. Review status: reviewed by expert panel. Criteria: ClinGen CongenMyopathy ACMG Specifications RYR1 AD V2.0.0. Collection method: curation. Allele origin: germline. Inheritance: Autosomal dominant inheritance.
Comment: The c.4729G>A variant in RYR1 is a missense variant predicted to cause substitution of alanine by threonine at amino acid 1577. The filtering allele frequency (the lower threshold of the 95% CI of 8/73780) of the c.4729G>A variant in RYR1 is 0.00006033 for African/African American chromosomes by gnomAD v4.1 (BA1, BS1, PM2 not met). The computational predictor REVEL gives a score of 0.908, which is above the threshold of 0.7, evidence that correlates with impact to RYR1 function (PP3). This variant has been reported in 2 probands with RYR1-related myopathy and has been detected in 1 individual with RYR1-related myopathy, compound heterozygous for the variant and a rare VUS, confirmed in trans by family testing (c.14818G>A (p.A4940T), SCV000852639.1). In summary, this variant meets the criteria to be classified as uncertain significance for RYR1-related myopathy with multiple patterns of inheritance reported, based on the ACMG/AMP criteria applied, as specified by the ClinGen Congenital Myopathies VCEP: PP3. (ClinGen Congenital Myopathies VCEP specifications version 2; 08/27/2024)

Color Diagnostics, LLC DBA Color Health
Classification: Uncertain significance for Malignant hyperthermia, susceptibility to, 1. Last evaluated: 2025-11-06. Review status: criteria provided, single submitter. Criteria: ACMG Guidelines, 2015. Collection method: clinical testing. Allele origin: germline. Not counted in ClinVar's aggregate classification.
Comment: This missense variant replaces alanine with threonine at codon 1577 of the RYR1 protein. Computational prediction suggests that this variant may have deleterious impact on protein structure and function. To our knowledge, functional studies have not been reported for this variant. This variant has not been reported in individuals affected with autosomal dominant malignant hyperthermia in the literature, although it is associated with other phenotype(s) (ClinVar variation ID: 65923). This variant has been identified in 3/198252 chromosomes in the general population by the Genome Aggregation Database (gnomAD). Due to insufficient evidence, this variant is classified as a Variant of Uncertain Significance for autosomal dominant malignant hyperthermia.

Revvity Omics, Revvity
Classification: Uncertain significance. Last evaluated: 2025-03-20. Review status: criteria provided, single submitter. Criteria: ACMG Guidelines, 2015. Collection method: clinical testing. Allele origin: germline. Not counted in ClinVar's aggregate classification.

Labcorp Genetics (formerly Invitae), Labcorp
Classification: Uncertain significance for RYR1-related disorder. Last evaluated: 2024-08-31. Review status: criteria provided, single submitter. Criteria: Invitae Variant Classification Sherloc (09022015). Collection method: clinical testing. Allele origin: germline. Not counted in ClinVar's aggregate classification.
Comment: This sequence change replaces alanine, which is neutral and non-polar, with threonine, which is neutral and polar, at codon 1577 of the RYR1 protein (p.Ala1577Thr). The frequency data for this variant in the population databases is considered unreliable, as metrics indicate poor data quality at this position in the gnomAD database. This missense change has been observed in individual(s) with congenital myopathy (PMID: 16940308). ClinVar contains an entry for this variant (Variation ID: 65923). Invitae Evidence Modeling of protein sequence and biophysical properties (such as structural, functional, and spatial information, amino acid conservation, physicochemical variation, residue mobility, and thermodynamic stability) indicates that this missense variant is expected to disrupt RYR1 protein function with a positive predictive value of 95%. Experimental studies have shown that this missense change does not substantially affect RYR1 function (PMID: 16940308). In summary, the available evidence is currently insufficient to determine the role of this variant in disease. Therefore, it has been classified as a Variant of Uncertain Significance.

All of Us Research Program, National Institutes of Health
Classification: Uncertain significance for Malignant hyperthermia, susceptibility to, 1. Last evaluated: 2023-11-30. Review status: criteria provided, single submitter. Criteria: ACMG Guidelines, 2015. Collection method: clinical testing. Allele origin: germline. Inheritance: Autosomal dominant inheritance. Observed: 3 variant alleles, 3 heterozygotes. Not counted in ClinVar's aggregate classification.
Comment: This missense variant replaces alanine with threonine at codon 1577 of the RYR1 protein. Computational prediction suggests that this variant may have deleterious impact on protein structure and function (internally defined REVEL score threshold >= 0.7, PMID: 27666373). To our knowledge, functional studies have not been reported for this variant. This variant has not been reported in individuals affected with autosomal dominant malignant hyperthermia in the literature, although it is associated with other phenotype(s) (ClinVar variation ID: 65923). This variant has been identified in 3/198252 chromosomes in the general population by the Genome Aggregation Database (gnomAD). Due to insufficient evidence, this variant is classified as a Variant of Uncertain Significance for autosomal dominant malignant hyperthermia.

This study involves interpretation of variants in research participants for the purpose of population health screening. Participant phenotype was not available at the time of variant classification. Additional details can be found in publication PMID: 35346344, PMCID: PMC8962531

Fulgent Genetics
Classification: Uncertain significance for Central core myopathy; Malignant hyperthermia, susceptibility to, 1; Congenital myopathy 4A, autosomal dominant; Congenital multicore myopathy with external ophthalmoplegia; King Denborough syndrome. Last evaluated: 2022-04-01. Review status: criteria provided, single submitter. Criteria: ACMG Guidelines, 2015. Collection method: clinical testing. Allele origin: unknown. Not counted in ClinVar's aggregate classification.

GeneDx
Classification: Uncertain significance. Last evaluated: 2021-02-15. Review status: criteria provided, single submitter. Criteria: GeneDx Variant Classification Process June 2021. Collection method: clinical testing. Allele origin: germline. Affected: yes. Not counted in ClinVar's aggregate classification.
Comment: Not observed at a significant frequency in large population cohorts (Lek et al., 2016); In silico analysis supports that this missense variant has a deleterious effect on protein structure/function; Observed with a benign variant on the opposite allele (in trans) in a patient with congenital core myopathy in published published literature (Zhou et al., 2006); This variant is associated with the following publications: (PMID: 20301565, 17365175, 16940308)

PreventionGenetics, part of Exact Sciences
Classification: Uncertain significance. Last evaluated: 2017-02-21. Review status: criteria provided, single submitter. Criteria: ACMG Guidelines, 2015. Collection method: clinical testing. Allele origin: germline. Not counted in ClinVar's aggregate classification.

GeneReviews
Classification: Pathogenic for Central Core Disease. Last evaluated: 2010-05-11. Review status: no assertion criteria provided. Collection method: curation. Allele origin: unknown. Not counted in ClinVar's aggregate classification.
ClinVar note: Converted during submission from pathologic to Pathogenic.

RYR1 database
No classification provided. Review status: no classification provided. Collection method: not provided. Allele origin: unknown. Not counted in ClinVar's aggregate classification.

Literature cited by the submitters: PubMed 16940308 (cited by Labcorp Genetics (formerly Invitae), Labcorp).

NM_000540.3(RYR1):c.4729G>A (p.Ala1577Thr)

Gene: RYR1 (ryanodine receptor 1; plus strand). Cytogenetic location: 19q13.2.
Variant type: single nucleotide variant.
Coding change: c.4729G>A on transcript NM_000540.3 (MANE Select); coding-DNA position 4729, G replaced by A.
Protein change: p.Ala1577Thr; replaces alanine 1577 with threonine.
Molecular consequence: missense variant.
Genome position (GRCh38, 1-based): chr19:38,483,311, G>A. VCF-style: chr19-38483311-G-A. GRCh37 (hg19) VCF-style: chr19-38973951-G-A.
Other names: NM_000540.3(RYR1):c.4729G>A; c.4729G>A, p.Ala1577Thr (NM_001042723.2); short protein forms A1577T.
Identifiers: ClinVar variation 65923 (VCV000065923.15), dbSNP rs118192120, ClinGen allele CA024459.